The following is an entry in ClinVar:

NM_138713.4(NFAT5):c.550T>G (p.Leu184Val)

Gene: NFAT5 (nuclear factor of activated T cells 5; plus strand). Cytogenetic location: 16q22.1.
Variant type: single nucleotide variant.
Coding change: c.550T>G on transcript NM_138713.4 (MANE Select); coding-DNA position 550, T replaced by G.
Protein change: p.Leu184Val; replaces leucine 184 with valine.
Molecular consequence: missense variant. On other transcripts: intron variant (1).
Genome position (GRCh38, 1-based): chr16:69,647,324, T>G. VCF-style: chr16-69647324-T-G. GRCh37 (hg19) VCF-style: chr16-69681227-T-G.
Other names: c.550T>G, p.Leu184Val (NM_001113178.3); c.496T>G, p.Leu166Val (NM_006599.4); c.268T>G, p.Leu90Val (NM_138714.4, NM_173214.3, NM_173215.3); c.140+157T>G (NM_001367709.1); short protein forms L90V, L166V, L184V.
Identifiers: ClinVar variation 1483752 (VCV001483752.6), dbSNP rs770668167, ClinGen allele CA396485024.

ClinVar aggregate classification (germline): Uncertain significance (1 of 4 stars; one submission).

Conditions:
Immunodeficiency. Identifiers: MedGen C0021051, MONDO:0021094, HP:0002721.

Submission:

Labcorp Genetics (formerly Invitae), Labcorp
Classification: Uncertain significance for Immunodeficiency. Last evaluated: 2021-09-06. Review status: criteria provided, single submitter. Criteria: Invitae Variant Classification Sherloc (09022015). Collection method: clinical testing. Allele origin: germline.
Comment: This sequence change replaces leucine with valine at codon 90 of the NFAT5 protein (p.Leu90Val). The leucine residue is highly conserved and there is a small physicochemical difference between leucine and valine. This variant is not present in population databases (ExAC no frequency). In summary, the available evidence is currently insufficient to determine the role of this variant in disease. Therefore, it has been classified as a Variant of Uncertain Significance. Algorithms developed to predict the effect of missense changes on protein structure and function are either unavailable or do not agree on the potential impact of this missense change (SIFT: "Tolerated"; PolyPhen-2: "Possibly Damaging"; Align-GVGD: "Class C0"). This variant has not been reported in the literature in individuals affected with NFAT5-related conditions.